The following is an entry in ClinVar:

ClinVar aggregate classification (germline): Pathogenic. Review status: criteria provided, multiple submitters, no conflicts (2 of 4 stars). 4 submissions from 4 submitters: Pathogenic (2). 2 of the submissions do not count toward it. Last evaluated 2018-10-31.

Conditions:
Primary pulmonary hypertension. Also called: Idiopathic pulmonary hypertension. Identifiers: MedGen C0152171.
Pulmonary arterial hypertension. Identifiers: Orphanet 182090, MedGen C2973725, MeSH D000081029, MONDO:0015924, HP:0002092.
Pulmonary hypertension, primary, 1 (PPH1). Also called: Pulmonary hypertension, familial primary, 1, with or without HHT. Identifiers: Orphanet 422, MedGen C4552070, MONDO:0024533, OMIM 178600.
Pulmonary venoocclusive disease 1 (PVOD1). Also called: Pulmonary venoocclusive disease 1, autosomal dominant. Identifiers: Orphanet 31837, MedGen C3887658, MONDO:0020713, OMIM 265450.

Allele frequency attached by ClinVar (database versions not stated): gnomAD exomes below 0.00001.
gnomAD v4.1: 1 of 1,613,988 alleles (0.000062%); highest among the groups gnomAD compares: Non-Finnish European, 0.000085%; no homozygotes.

Submissions (4):

Fulgent Genetics
Classification: Pathogenic for Pulmonary hypertension, primary, 1; Pulmonary venoocclusive disease 1. Last evaluated: 2018-10-31. Review status: criteria provided, single submitter. Criteria: ACMG Guidelines, 2015. Collection method: clinical testing. Allele origin: unknown.

Labcorp Genetics (formerly Invitae), Labcorp
Classification: Pathogenic for Primary pulmonary hypertension. Last evaluated: 2016-10-16. Review status: criteria provided, single submitter. Criteria: Invitae Variant Classification Sherloc (09022015). Collection method: clinical testing. Allele origin: germline.
Comment: For these reasons, this variant has been classified as Pathogenic. Loss-of-function variants in BMPR2 are known to be pathogenic (PMID: 11536076, 12417513). This particular variant has been reported in the literature in individuals with pulmonary arterial hypertension (PMID: 17515463, 26387786). This sequence change creates a premature translational stop signal at codon 466 (p.Trp466*) of the BMPR2 gene. It is expected to result in an absent or disrupted protein product.

NIHR Bioresource Rare Diseases, University of Cambridge
Classification: Pathogenic for Pulmonary arterial hypertension. Review status: no assertion criteria provided. Collection method: research. Allele origin: unknown. Affected: yes. Observed: 1 variant allele. Not counted in ClinVar's aggregate classification.

Rare Disease Genomics Group, St George's University of London
Classification: Pathogenic for Primary pulmonary hypertension. Review status: no assertion criteria provided. Collection method: literature only. Allele origin: germline. Affected: yes. Not counted in ClinVar's aggregate classification.

Literature cited by the submitters: PubMed 11536076 (cited by Labcorp Genetics (formerly Invitae), Labcorp); PubMed 12417513 (cited by Labcorp Genetics (formerly Invitae), Labcorp); PubMed 17515463 (cited by Labcorp Genetics (formerly Invitae), Labcorp); PubMed 26387786 (cited by Labcorp Genetics (formerly Invitae), Labcorp and Rare Disease Genomics Group, St George's University of London); PubMed 32581362 (cited by NIHR Bioresource Rare Diseases, University of Cambridge).

NM_001204.7(BMPR2):c.1398G>A (p.Trp466Ter)

Gene: BMPR2 (bone morphogenetic protein receptor type 2; plus strand). Cytogenetic location: 2q33.2.
Variant type: single nucleotide variant.
Coding change: c.1398G>A on transcript NM_001204.7 (MANE Select); coding-DNA position 1398, G replaced by A.
Protein change: p.Trp466Ter; replaces tryptophan 466 with a stop codon.
Molecular consequence: nonsense.
Genome position (GRCh38, 1-based): chr2:202,542,432, G>A. VCF-style: chr2-202542432-G-A. GRCh37 (hg19) VCF-style: chr2-203407155-G-A.
Other names: c.1398G>A, p.W466* (LRG_712t1); short protein forms W466*.
Identifiers: ClinVar variation 409813 (VCV000409813.11), dbSNP rs1060502576, ClinGen allele CA16610567.
Genomic context (GRCh38, chr2:202,542,432, plus strand): 5'-TGAGGATATGCAGGTTCTCGTGTCTAGGGAAAAACAGAGACCCAAGTTCCCAGAAGCCTG[G>A]AAAGAAAATAGCCTGGTAAGAAAAAACTAAGTTATTAAAGAGAGGACTTATGACTGAATA-3'